The following is an entry in ClinVar:

NM_006206.6(PDGFRA):c.18G>C (p.Pro6=)

Gene: PDGFRA (platelet derived growth factor receptor alpha; plus strand). Cytogenetic location: 4q12.
Variant type: single nucleotide variant.
Coding change: c.18G>C on transcript NM_006206.6 (MANE Select); coding-DNA position 18, G replaced by C.
Protein change: p.Pro6=; no amino-acid change (proline 6 retained).
Molecular consequence: synonymous variant.
Genome position (GRCh38, 1-based): chr4:54,258,786, G>C. VCF-style: chr4-54258786-G-C. GRCh37 (hg19) VCF-style: chr4-55124953-G-C.
Other names: c.18G>C, p.Pro6= (NM_001347827.2, NM_001347829.2); c.93G>C, p.Pro31= (NM_001347828.2); c.57G>C, p.Pro19= (NM_001347830.2).
Identifiers: ClinVar variation 414506 (VCV000414506.15), dbSNP rs753179440, ClinGen allele CA2922199.

ClinVar aggregate classification (germline): Benign/Likely benign. Review status: criteria provided, multiple submitters, no conflicts (2 of 4 stars). 3 submissions from 3 submitters: Benign (1); Likely benign (2). Last evaluated 2026-06-16.

Conditions:
Gastrointestinal stromal tumor. Also called: Gastrointestinal stroma tumor; Gastrointestinal stromal tumor, somatic. Identifiers: Orphanet 44890, MedGen C0238198, MeSH D046152, MONDO:0011719, OMIM 606764, HP:0100723.
Polyps, multiple and recurrent inflammatory fibroid, gastrointestinal. Identifiers: MedGen C5193005, MONDO:0008285, OMIM 175510.
Hereditary cancer-predisposing syndrome. Also called: Neoplastic Syndromes, Hereditary; Hereditary Cancer Syndrome; Hereditary neoplastic syndrome; Tumor predisposition. Identifiers: Orphanet 140162, MedGen C0027672, MeSH D009386, MONDO:0015356.

gnomAD v4.1: 25 of 1,613,574 alleles (0.0015%); highest among the groups gnomAD compares: East Asian, 0.031%; no homozygotes.

Submissions (3):

Myriad Genetics, Inc.
Classification: Benign for Polyps, multiple and recurrent inflammatory fibroid, gastrointestinal. Last evaluated: 2026-06-16. Review status: criteria provided, single submitter. Criteria: Myriad Autosomal Dominant, Autosomal Recessive and X-Linked Classification Criteria (2023). Collection method: clinical testing. Allele origin: unknown.
Comment: This variant is considered benign. This variant is a silent/synonymous amino acid change and it is not expected to impact splicing.

Labcorp Genetics (formerly Invitae), Labcorp
Classification: Likely benign for Gastrointestinal stromal tumor. Last evaluated: 2025-12-02. Review status: criteria provided, single submitter. Criteria: Invitae Variant Classification Sherloc (09022015). Collection method: clinical testing. Allele origin: germline.

Ambry Genetics
Classification: Likely benign for Hereditary cancer-predisposing syndrome. Last evaluated: 2022-02-22. Review status: criteria provided, single submitter. Criteria: Ambry Variant Classification Scheme 2023. Collection method: clinical testing. Allele origin: germline.